The following is an entry in ClinVar:

ClinVar aggregate classification (germline): Uncertain significance (1 of 4 stars; one submission).

gnomAD v4.1: 8 of 1,613,592 alleles (0.0005%); highest among the groups gnomAD compares: East Asian, 0.0022%; no homozygotes.

Submission:

Labcorp Genetics (formerly Invitae), Labcorp
Classification: Uncertain significance. Last evaluated: 2025-01-13. Review status: criteria provided, single submitter. Criteria: Invitae Variant Classification Sherloc (09022015). Collection method: clinical testing. Allele origin: germline.
Comment: This sequence change replaces isoleucine, which is neutral and non-polar, with methionine, which is neutral and non-polar, at codon 498 of the POLR1A protein (p.Ile498Met). This variant is present in population databases (rs748302025, gnomAD 0.02%). This variant has not been reported in the literature in individuals affected with POLR1A-related conditions. Invitae Evidence Modeling of protein sequence and biophysical properties (such as structural, functional, and spatial information, amino acid conservation, physicochemical variation, residue mobility, and thermodynamic stability) indicates that this missense variant is expected to disrupt POLR1A protein function with a positive predictive value of 80%. In summary, the available evidence is currently insufficient to determine the role of this variant in disease. Therefore, it has been classified as a Variant of Uncertain Significance.

NM_015425.6(POLR1A):c.1494C>G (p.Ile498Met)

Gene: POLR1A (RNA polymerase I subunit A; minus strand). Cytogenetic location: 2p11.2.
Variant type: single nucleotide variant.
Coding change: c.1494C>G on transcript NM_015425.6 (MANE Select); coding-DNA position 1494, C replaced by G.
Protein change: p.Ile498Met; replaces isoleucine 498 with methionine.
Molecular consequence: missense variant.
Genome position (GRCh38, 1-based): chr2:86,075,147, G>C on the plus strand (C>G on the coding strand, the complement: POLR1A is on the minus strand). VCF-style: chr2-86075147-G-C. GRCh37 (hg19) VCF-style: chr2-86302270-G-C.
Other names: short protein forms I498M.
Identifiers: ClinVar variation 3713955 (VCV003713955.2).